The following is an entry in ClinVar:

NM_006734.4(HIVEP2):c.3217A>G (p.Arg1073Gly)

Gene: HIVEP2 (HIVEP zinc finger 2; minus strand). Cytogenetic location: 6q24.2.
Variant type: single nucleotide variant.
Coding change: c.3217A>G on transcript NM_006734.4 (MANE Select); coding-DNA position 3217, A replaced by G.
Protein change: p.Arg1073Gly; replaces arginine 1073 with glycine.
Molecular consequence: missense variant.
Genome position (GRCh38, 1-based): chr6:142,771,522, T>C on the plus strand (A>G on the coding strand, the complement: HIVEP2 is on the minus strand). VCF-style: chr6-142771522-T-C. GRCh37 (hg19) VCF-style: chr6-143092659-T-C.
Other names: c.3217A>G, p.Arg1073Gly (NM_001438449.1, NM_001438450.1, NM_001438451.1); short protein forms R1073G.
Identifiers: ClinVar variation 4809846 (VCV004809846.1).
Genomic context (GRCh38, chr6:142,771,522, plus strand): 5'-AGATTTCTGGGGAGCCACTGAAGGAAGCTTGCCGCACCAGAAAGCATTTCTTCCTCTCCC[T>C]GGACGGTGATACCGTGGAGGCTGCTGCTCCCGACACAGGAGCATGGGACAGATTCCCATA-3'
Protein context (NP_006725.3, residues 1063-1083): GAAASTVSPS[Arg1073Gly]ERKKCFLVRQ

ClinVar aggregate classification (germline): Uncertain significance (1 of 4 stars; one submission).

gnomAD v4.1: 3 of 1,613,866 alleles (0.00019%); highest among the groups gnomAD compares: East Asian, 0.0022%; no homozygotes.

Submission:

Labcorp Genetics (formerly Invitae), Labcorp
Classification: Uncertain significance. Last evaluated: 2025-06-08. Review status: criteria provided, single submitter. Criteria: Invitae Variant Classification Sherloc (09022015). Collection method: clinical testing. Allele origin: germline.
Comment: This sequence change replaces arginine, which is basic and polar, with glycine, which is neutral and non-polar, at codon 1073 of the HIVEP2 protein (p.Arg1073Gly). This variant is not present in population databases (gnomAD no frequency). This variant has not been reported in the literature in individuals affected with HIVEP2-related conditions. Invitae Evidence Modeling of protein sequence and biophysical properties (such as structural, functional, and spatial information, amino acid conservation, physicochemical variation, residue mobility, and thermodynamic stability) indicates that this missense variant is expected to disrupt HIVEP2 protein function with a positive predictive value of 80%. In summary, the available evidence is currently insufficient to determine the role of this variant in disease. Therefore, it has been classified as a Variant of Uncertain Significance.